The following is an entry in ClinVar:

NM_000202.8(IDS):c.776_777dup (p.Pro260fs)

Genes: IDS (iduronate 2-sulfatase; minus strand), LOC106050102 (IDS recombination region; plus strand). Cytogenetic location: Xq28.
Variant type: Duplication.
Coding change: c.776_777dup on transcript NM_000202.8 (MANE Select); coding-DNA positions 776 to 777, 2 bases duplicated (TA; older notation c.776_777dupTA).
Protein change: p.Pro260fs; shifts the reading frame from proline 260.
Molecular consequence: frameshift variant. On other transcripts: non-coding transcript variant (1).
Genome position (GRCh38, 1-based): chrX:149,496,448-149,496,449, TA duplicated on the plus strand (TA on the coding strand, the reverse complement: IDS is on the minus strand). VCF-style (leftmost placement, unchanged base first): chrX-149496447-G-GTA. GRCh37 (hg19) VCF-style: chrX-148577978-G-GTA.
Other names: c.506_507dup, p.Pro170fs (NM_001166550.4); c.776_777dup, p.Pro260fs (NM_006123.5); short protein forms P170fs, P260fs.
Identifiers: ClinVar variation 988681 (VCV000988681.3), dbSNP rs2089437359, ClinGen allele CA2465008703.
Genomic context (GRCh38, chrX:149,496,447, plus strand): 5'-TTAAGGCTTGGACGTCTTCCCGTTGCCTGATGTCCATCCAGGGGTTGTAGGCCACAGGGG[G>GTA]TAGGCCATCAGGGACCTCGGGATCGGGGGCCAGGGTGATGTTCTCCAAGGGATACAACTT-3'

ClinVar aggregate classification (germline): Pathogenic. Review status: criteria provided, single submitter (1 of 4 stars). 2 submissions from 2 submitters: Pathogenic (1). 1 of the submissions does not count toward it. Last evaluated 2024-06-07.

Conditions:
Mucopolysaccharidosis, MPS-II (MPS2). Also called: IDS deficiency; Sulfoiduronate sulfatase deficiency; SIDS deficiency; Mucopolysaccharidosis type 2; Mucopolysaccharidosis Type II; Attenuated MPS (subtype; formerly known as mild MPS II). Identifiers: Orphanet 580, Orphanet 79388, MedGen C0026705, MONDO:0010674, OMIM 309900.

Submissions (2):

Laboratory of Diagnosis and Therapy of Lysosomal Disorders, University of Padova
Classification: Pathogenic for Mucopolysaccharidosis, MPS-II. Last evaluated: 2024-06-07. Review status: criteria provided, single submitter. Criteria: ACMG Guidelines, 2015. Collection method: literature only. Allele origin: germline. Affected: yes. Observed: 1 variant allele.
Comment: Null variant (PVS1_VeryStrong), Absent from controls (or at low frequency) in gnomAD database (PM2_Moderate), Patient’s phenotype or family history highly specific for the disease (PP4_Strong)

Classification method: ACMG Guidelines [PMID:25741868] with modifications

Laboratory of Inherited Metabolic Diseases, Research centre for medical genetics
Classification: Pathogenic for Mucopolysaccharidosis, type II; MPS2. Review status: no assertion criteria provided. Collection method: research. Allele origin: germline. Affected: yes. Not counted in ClinVar's aggregate classification.

Literature cited by the submitters: PubMed 33676511 (cited by Laboratory of Diagnosis and Therapy of Lysosomal Disorders, University of Padova).